The following is an entry in ClinVar:

NM_138959.3(VANGL1):c.138C>T (p.Val46=)

Gene: VANGL1 (VANGL planar cell polarity protein 1; plus strand). Cytogenetic location: 1p13.1.
Variant type: single nucleotide variant.
Coding change: c.138C>T on transcript NM_138959.3 (MANE Select); coding-DNA position 138, C replaced by T.
Protein change: p.Val46=; no amino-acid change (valine 46 retained).
Molecular consequence: synonymous variant.
Genome position (GRCh38, 1-based): chr1:115,659,707, C>T. VCF-style: chr1-115659707-C-T. GRCh37 (hg19) VCF-style: chr1-116202328-C-T.
Other names: c.138C>T, p.Val46= (NM_001172411.2, NM_001172412.2).
Identifiers: ClinVar variation 3035892 (VCV003035892.2), dbSNP rs772309606, ClinGen allele CA1023154.

ClinVar aggregate classification (germline): Likely benign (0 of 4 stars; one submission).

Conditions:
VANGL1-related disorder. Also called: VANGL1-related condition.

Allele frequency attached by ClinVar (database versions not stated): gnomAD 0.00001; gnomAD exomes 0.00003.
gnomAD v4.1: 48 of 1,614,062 alleles (0.003%); highest among the groups gnomAD compares: Non-Finnish European, 0.0039%; no homozygotes.

Submission:

PreventionGenetics, part of Exact Sciences
Classification: Likely benign for VANGL1-related condition. Last evaluated: 2019-08-06. Review status: no assertion criteria provided. Collection method: clinical testing. Allele origin: germline.
Comment: This variant is classified as likely benign based on ACMG/AMP sequence variant interpretation guidelines (Richards et al. 2015 PMID: 25741868, with internal and published modifications).